The following is an entry in ClinVar:

ClinVar aggregate classification (germline): Likely benign (1 of 4 stars; one submission).

Conditions:
Ehlers-Danlos syndrome, classic type, 2 (EDSCL2). Also called: Ehlers-Danlos syndrome, type 2; Ehlers-Danlos syndrome type 2 (formerly); Ehlers-Danlos Syndrome, Classic Type, COL5A2-Related. Identifiers: Orphanet 287, Orphanet 90318, MedGen C0268336, MONDO:0019568, OMIM 130010.

Allele frequency attached by ClinVar (database versions not stated): gnomAD 0.00050 and 0.00040; TOPMed 0.00062; 1000 Genomes Project 30x 0.00078; gnomAD exomes 0.00047; 1000 Genomes Project 0.00080.
gnomAD v4.1: 742 of 1,542,328 alleles (0.048%); highest among the groups gnomAD compares: East Asian, 0.68%; 5 homozygotes.

Submission:

Illumina Laboratory Services, Illumina
Classification: Likely benign for Ehlers-Danlos syndrome, classic type, 2. Last evaluated: 2018-01-13. Review status: criteria provided, single submitter. Criteria: ICSL Variant Classification Criteria 13 December 2019. Collection method: clinical testing. Allele origin: germline.
Comment: This variant was observed in the ICSL laboratory as part of a predisposition screen in an ostensibly healthy population. It had not been previously curated by ICSL or reported in the Human Gene Mutation Database (HGMD: prior to June 1st, 2018), and was therefore a candidate for classification through an automated scoring system. Utilizing variant allele frequency, disease prevalence and penetrance estimates, and inheritance mode, an automated score was calculated to assess if this variant is too frequent to cause the disease. Based on the score and internal cut-off values, a variant classified as likely benign is not then subjected to further curation. The score for this variant resulted in a classification of likely benign for this disease.

NM_000393.5(COL5A2):c.-96G>T

Gene: COL5A2 (collagen type V alpha 2 chain; minus strand). Cytogenetic location: 2q32.2.
Variant type: single nucleotide variant.
Coding change: c.-96G>T on transcript NM_000393.5 (MANE Select); 96 bases upstream of the start codon, G replaced by T.
Molecular consequence: 5 prime UTR variant.
Genome position (GRCh38, 1-based): chr2:189,179,700, C>A on the plus strand (G>T on the coding strand, the complement: COL5A2 is on the minus strand). VCF-style: chr2-189179700-C-A. GRCh37 (hg19) VCF-style: chr2-190044426-C-A.
Identifiers: ClinVar variation 896701 (VCV000896701.4), dbSNP rs28384400, ClinGen allele CA62830734.